The following is an entry in ClinVar:

ClinVar aggregate classification (germline): Conflicting classifications of pathogenicity. Review status: criteria provided, conflicting classifications (1 of 4 stars). 2 submissions from 2 submitters: Uncertain significance (1); Likely benign (1). Last evaluated 2026-02-12.

Conditions:
Intellectual developmental disorder, autosomal dominant 1. Also called: MBD5 Haploinsufficiency; Intellectual disability, autosomal dominant 1. Identifiers: Orphanet 228402, MedGen C1969562, MONDO:0007974, OMIM 156200.

Submissions (2):

Centre for Medical Genetics,  Mumbai
Classification: Likely benign for Intellectual developmental disorder, autosomal dominant 1. Last evaluated: 2026-02-12. Review status: criteria provided, single submitter. Criteria: ACMG Guidelines, 2015. Collection method: provider interpretation. Allele origin: germline. Inheritance: Autosomal dominant inheritance. Affected: no. Observed: 1 heterozygote.
Comment: The variant satisfies PM2 criteria; Extremely low frequency in gnomAD population databases. However, the variant satisfies BS2 criteria.

Labcorp Genetics (formerly Invitae), Labcorp
Classification: Uncertain significance for Intellectual developmental disorder, autosomal dominant 1. Last evaluated: 2023-04-20. Review status: criteria provided, single submitter. Criteria: Invitae Variant Classification Sherloc (09022015). Collection method: clinical testing. Allele origin: germline.
Comment: This sequence change replaces proline, which is neutral and non-polar, with serine, which is neutral and polar, at codon 1319 of the MBD5 protein (p.Pro1319Ser). This variant is not present in population databases (gnomAD no frequency). This variant has not been reported in the literature in individuals affected with MBD5-related conditions. Experimental studies and prediction algorithms are not available or were not evaluated, and the functional significance of this variant is currently unknown. In summary, the available evidence is currently insufficient to determine the role of this variant in disease. Therefore, it has been classified as a Variant of Uncertain Significance.

Literature cited by the submitters: PubMed 17847001 (cited by Centre for Medical Genetics,  Mumbai).

NM_001378120.1(MBD5):c.4654C>T (p.Pro1552Ser)

Gene: MBD5 (methyl-CpG binding domain protein 5; plus strand). Cytogenetic location: 2q23.1.
Variant type: single nucleotide variant.
Coding change: c.4654C>T on transcript NM_001378120.1 (MANE Select); coding-DNA position 4654, C replaced by T.
Protein change: p.Pro1552Ser; replaces proline 1552 with serine.
Molecular consequence: missense variant.
Genome position (GRCh38, 1-based): chr2:148,490,286, C>T. VCF-style: chr2-148490286-C-T. GRCh37 (hg19) VCF-style: chr2-149247855-C-T.
Other names: c.3955C>T, p.Pro1319Ser (NM_018328.5); short protein forms P1319S, P1552S.
Identifiers: ClinVar variation 2857706 (VCV002857706.4), dbSNP rs762356801, ClinGen allele CA348729969.